The following is an entry in ClinVar:

ClinVar aggregate classification (germline): Uncertain significance (1 of 4 stars; one submission).

Conditions:
Familial hemophagocytic lymphohistiocytosis 4 (FHL4). Also called: STX11-Related Familial Hemophagocytic Lymphohistiocytosis (STX11-fHLH). Identifiers: Orphanet 540, MedGen C1863728, MONDO:0011336, OMIM 603552.

Allele frequency attached by ClinVar (database versions not stated): ExAC 0.00001; gnomAD 0.00001; gnomAD exomes 0.00002.
gnomAD v4.1: 28 of 1,612,034 alleles (0.0017%); highest among the groups gnomAD compares: Non-Finnish European, 0.0024%; no homozygotes.

Submission:

Labcorp Genetics (formerly Invitae), Labcorp
Classification: Uncertain significance for Familial hemophagocytic lymphohistiocytosis 4. Last evaluated: 2022-04-11. Review status: criteria provided, single submitter. Criteria: Invitae Variant Classification Sherloc (09022015). Collection method: clinical testing. Allele origin: germline.
Comment: This sequence change replaces asparagine, which is neutral and polar, with aspartic acid, which is acidic and polar, at codon 133 of the STX11 protein (p.Asn133Asp). This variant is not present in population databases (gnomAD no frequency). This variant has not been reported in the literature in individuals affected with STX11-related conditions. Algorithms developed to predict the effect of missense changes on protein structure and function (SIFT, PolyPhen-2, Align-GVGD) all suggest that this variant is likely to be tolerated. In summary, the available evidence is currently insufficient to determine the role of this variant in disease. Therefore, it has been classified as a Variant of Uncertain Significance.

NM_003764.4(STX11):c.397A>G (p.Asn133Asp)

Gene: STX11 (syntaxin 11; plus strand). Cytogenetic location: 6q24.2.
Variant type: single nucleotide variant.
Coding change: c.397A>G on transcript NM_003764.4 (MANE Select); coding-DNA position 397, A replaced by G.
Protein change: p.Asn133Asp; replaces asparagine 133 with aspartic acid.
Molecular consequence: missense variant.
Genome position (GRCh38, 1-based): chr6:144,187,024, A>G. VCF-style: chr6-144187024-A-G. GRCh37 (hg19) VCF-style: chr6-144508161-A-G.
Other names: short protein forms N133D.
Identifiers: ClinVar variation 2124605 (VCV002124605.1), dbSNP rs752423635, ClinGen allele CA4031699.